The following is an entry in ClinVar:

NM_001203.3(BMPR1B):c.*2962T>G

Gene: BMPR1B (bone morphogenetic protein receptor type 1B; plus strand). Cytogenetic location: 4q22.3.
Variant type: single nucleotide variant.
Coding change: c.*2962T>G on transcript NM_001203.3 (MANE Select); 2962 bases downstream of the stop codon, T replaced by G.
Molecular consequence: 3 prime UTR variant.
Genome position (GRCh38, 1-based): chr4:95,157,635, T>G. VCF-style: chr4-95157635-T-G. GRCh37 (hg19) VCF-style: chr4-96078786-T-G.
Other names: c.*2962T>G (NM_001256792.2, NM_001256793.2, NM_001256794.1).
Identifiers: ClinVar variation 906801 (VCV000906801.4), dbSNP rs559802311, ClinGen allele CA101684077.
Genomic context (GRCh38, chr4:95,157,635, plus strand): 5'-TTGTATGCTAAGATATTCAGGTTTATAGTTTATGTATGTGTGTATATATATAAATATATA[T>G]GTATATATAAATATTATGTTCAGTTTGGAGTCTGGCACAACTCCATTATGTGGATTAGAG-3'

ClinVar aggregate classification (germline): Benign (1 of 4 stars; one submission).

Conditions:
Brachydactyly. Also called: Brachydactyly (disease); Brachydactyly syndrome. Identifiers: MedGen C0221357, MONDO:0021004, HP:0001156.

Allele frequency attached by ClinVar (database versions not stated): 1000 Genomes Project 0.00240; 1000 Genomes Project 30x 0.00265; gnomAD 0.00281 and 0.00307; TOPMed 0.00314.

Submission:

Illumina Laboratory Services, Illumina
Classification: Benign for Brachydactyly. Last evaluated: 2018-01-12. Review status: criteria provided, single submitter. Criteria: ICSL Variant Classification Criteria 13 December 2019. Collection method: clinical testing. Allele origin: germline.
Comment: This variant was observed in the ICSL laboratory as part of a predisposition screen in an ostensibly healthy population. It had not been previously curated by ICSL or reported in the Human Gene Mutation Database (HGMD: prior to June 1st, 2018), and was therefore a candidate for classification through an automated scoring system. Utilizing variant allele frequency, disease prevalence and penetrance estimates, and inheritance mode, an automated score was calculated to assess if this variant is too frequent to cause the disease. Based on the score and internal cut-off values, a variant classified as benign is not then subjected to further curation. The score for this variant resulted in a classification of benign for this disease.